The following is an entry in ClinVar:

NM_005732.4(RAD50):c.1771A>T (p.Arg591Trp)

Gene: RAD50 (RAD50 double strand break repair protein; plus strand). Cytogenetic location: 5q31.1.
Variant type: single nucleotide variant.
Coding change: c.1771A>T on transcript NM_005732.4 (MANE Select); coding-DNA position 1771, A replaced by T.
Protein change: p.Arg591Trp; replaces arginine 591 with tryptophan.
Molecular consequence: missense variant.
Genome position (GRCh38, 1-based): chr5:132,592,012, A>T. VCF-style: chr5-132592012-A-T. GRCh37 (hg19) VCF-style: chr5-131927704-A-T.
Other names: short protein forms R591W.
Identifiers: ClinVar variation 1721947 (VCV001721947.6), dbSNP rs1060501952, ClinGen allele CA360946728.
Genomic context (GRCh38, chr5:132,592,012, plus strand): 5'-CCCAACAAAAAACAGCTTGAAGACTGGCTACATAGTAAATCAAAAGAAATTAATCAGACC[A>T]GGGACAGACTTGCCAAATTGAAGTAAGTTGCAACATTTGGAGATGTAATAGAAATCTCTT-3'
Protein context (NP_005723.2, residues 581-601): HSKSKEINQT[Arg591Trp]DRLAKLNKEL

ClinVar aggregate classification (germline): Uncertain significance (1 of 4 stars; one submission).

Conditions:
Hereditary cancer-predisposing syndrome. Also called: Neoplastic Syndromes, Hereditary; Tumor predisposition; Hereditary neoplastic syndrome; Hereditary Cancer Syndrome. Identifiers: Orphanet 140162, MedGen C0027672, MeSH D009386, MONDO:0015356.

Submission:

Labcorp Genetics (formerly Invitae), Labcorp
Classification: Uncertain significance for Hereditary cancer-predisposing syndrome. Last evaluated: 2022-10-20. Review status: criteria provided, single submitter. Criteria: Invitae Variant Classification Sherloc (09022015). Collection method: clinical testing. Allele origin: germline.
Comment: This sequence change replaces arginine, which is basic and polar, with tryptophan, which is neutral and slightly polar, at codon 591 of the RAD50 protein (p.Arg591Trp). This variant is not present in population databases (gnomAD no frequency). This variant has not been reported in the literature in individuals affected with RAD50-related conditions. Advanced modeling of protein sequence and biophysical properties (such as structural, functional, and spatial information, amino acid conservation, physicochemical variation, residue mobility, and thermodynamic stability) performed at Invitae indicates that this missense variant is expected to disrupt RAD50 protein function. In summary, the available evidence is currently insufficient to determine the role of this variant in disease. Therefore, it has been classified as a Variant of Uncertain Significance.